The following is an entry in ClinVar:

NM_000264.5(PTCH1):c.2148C>T (p.Ser716=)

Genes: PTCH1 (patched 1; minus strand), LOC100507346 (uncharacterized LOC100507346; plus strand). Cytogenetic location: 9q22.32.
Variant type: single nucleotide variant.
Coding change: c.2148C>T on transcript NM_000264.5 (MANE Select); coding-DNA position 2148, C replaced by T.
Protein change: p.Ser716=; no amino-acid change (serine 716 retained).
Molecular consequence: synonymous variant. On other transcripts: non-coding transcript variant (2).
Genome position (GRCh38, 1-based): chr9:95,468,853, G>A on the plus strand (C>T on the coding strand, the complement: PTCH1 is on the minus strand). VCF-style: chr9-95468853-G-A. GRCh37 (hg19) VCF-style: chr9-98231135-G-A.
Other names: c.2148C>T (NM_000264.4); c.1950C>T, p.Ser650= (NM_001083602.3); c.2145C>T, p.Ser715= (NM_001083603.3); c.1695C>T, p.Ser565= (NM_001083604.3, NM_001083605.3, NM_001083606.3 and 1 more transcripts); c.1992C>T, p.Ser664= (NM_001354918.2).
Identifiers: ClinVar variation 453815 (VCV000453815.19), dbSNP rs781475120, ClinGen allele CA5138443.

ClinVar aggregate classification (germline): Benign/Likely benign. Review status: criteria provided, multiple submitters, no conflicts (2 of 4 stars). 5 submissions from 5 submitters: Benign (1); Likely benign (4). Last evaluated 2026-01-16.

Conditions:
Hereditary cancer-predisposing syndrome. Also called: Tumor predisposition; Hereditary neoplastic syndrome; Neoplastic Syndromes, Hereditary; Hereditary Cancer Syndrome. Identifiers: Orphanet 140162, MedGen C0027672, MeSH D009386, MONDO:0015356.
Gorlin syndrome. Also called: Nevoid Basal Cell Carcinoma Syndrome; Basal cell nevus syndrome. Identifiers: Orphanet 377, MedGen C0004779, MONDO:0007187.
PTCH1-related disorder. Also called: PTCH1-related disorders; PTCH1-related condition.

Allele frequency attached by ClinVar (database versions not stated): gnomAD exomes 0.00002 and 0.00004; ExAC 0.00004; gnomAD 0.00013 and 0.00014; TOPMed 0.00013.
gnomAD v4.1: 43 of 1,614,056 alleles (0.0027%); highest among the groups gnomAD compares: African/African-American, 0.028%; no homozygotes.

Submissions (5):

Labcorp Genetics (formerly Invitae), Labcorp
Classification: Likely benign for Gorlin syndrome. Last evaluated: 2026-01-16. Review status: criteria provided, single submitter. Criteria: Invitae Variant Classification Sherloc (09022015). Collection method: clinical testing. Allele origin: germline.

Blueprint Genetics
Classification: Likely benign. Last evaluated: 2024-11-27. Review status: criteria provided, single submitter. Criteria: ACMG Guidelines, 2015. Collection method: clinical testing. Allele origin: germline.

PreventionGenetics, part of Exact Sciences
Classification: Likely benign for PTCH1-related condition. Last evaluated: 2024-10-04. Review status: criteria provided, single submitter. Criteria: ACMG Guidelines, 2015. Collection method: clinical testing. Allele origin: germline.
Comment: This variant is classified as likely benign based on ACMG/AMP sequence variant interpretation guidelines (Richards et al. 2015 PMID: 25741868, with internal and published modifications).

Quest Diagnostics Nichols Institute San Juan Capistrano
Classification: Benign. Last evaluated: 2022-04-11. Review status: criteria provided, single submitter. Criteria: Quest Diagnostics criteria. Collection method: clinical testing. Allele origin: unknown.

Ambry Genetics
Classification: Likely benign for Hereditary cancer-predisposing syndrome. Last evaluated: 2018-08-28. Review status: criteria provided, single submitter. Criteria: Ambry Variant Classification Scheme 2023. Collection method: clinical testing. Allele origin: germline.